The following is an entry in ClinVar:

ClinVar aggregate classification (germline): Likely pathogenic (0 of 4 stars; one submission).

Conditions:
Dilated cardiomyopathy 1G (CMD1G). Identifiers: Orphanet 154, MedGen C1858763, MONDO:0011400, OMIM 604145.

Submission:

deCODE genetics, Amgen
Classification: Likely pathogenic for Dilated cardiomyopathy 1G. Last evaluated: 2023-07-21. Review status: no assertion criteria provided. Collection method: research. Allele origin: germline. Affected: yes. Observed: 4 variant alleles.
Comment: The variant NM_001267550.2:c.84969T>A (chr2:178561163) in TTN was detected in 3 heterozygotes out of 58K WGS Icelanders (MAF= 0,003%). This variant has not been reported in ClinVar previously. Based on ACMG criteria (PVS1, PM2) this variant classifies as likely pathogenic.

NM_001267550.2(TTN):c.84969T>A (p.Tyr28323Ter)

Genes: TTN (titin; minus strand), TTN-AS1 (TTN antisense RNA 1; plus strand). Cytogenetic location: 2q31.2.
Variant type: single nucleotide variant.
Coding change: c.84969T>A on transcript NM_001267550.2 (MANE Select); coding-DNA position 84969, T replaced by A.
Protein change: p.Tyr28323Ter; replaces tyrosine 28323 with a stop codon.
Molecular consequence: nonsense.
Genome position (GRCh38, 1-based): chr2:178,561,163, A>T on the plus strand (T>A on the coding strand, the complement: TTN is on the minus strand). VCF-style: chr2-178561163-A-T. GRCh37 (hg19) VCF-style: chr2-179425890-A-T.
Other names: c.80046T>A, p.Tyr26682Ter (NM_001256850.1); c.57774T>A, p.Tyr19258Ter (NM_003319.4); c.77265T>A, p.Tyr25755Ter (NM_133378.4); c.58149T>A, p.Tyr19383Ter (NM_133432.3); c.58350T>A, p.Tyr19450Ter (NM_133437.4); short protein forms Y19258*, Y19383*, Y19450*, Y25755*, Y26682*, Y28323*.
Identifiers: ClinVar variation 2574061 (VCV002574061.1), dbSNP rs1227124053, ClinGen allele CA349556975.